The following is an entry in ClinVar:

ClinVar aggregate classification (germline): Likely benign. Review status: criteria provided, single submitter (1 of 4 stars). 2 submissions from 2 submitters: Likely benign (1). 1 of the submissions does not count toward it. Last evaluated 2023-03-23.

Conditions:
Hereditary cancer-predisposing syndrome. Also called: Tumor predisposition; Hereditary Cancer Syndrome; Neoplastic Syndromes, Hereditary; Hereditary neoplastic syndrome. Identifiers: Orphanet 140162, MedGen C0027672, MeSH D009386, MONDO:0015356.
Breast-ovarian cancer, familial, susceptibility to, 2 (BROVCA2). Also called: BRCA2 Hereditary Breast and Ovarian Cancer. Identifiers: Orphanet 145, MedGen C2675520, MONDO:0012933, OMIM 612555. Disease mechanism: loss of function.

Submissions (2):

University of Washington Department of Laboratory Medicine, University of Washington
Classification: Likely benign for Hereditary cancer-predisposing syndrome. Last evaluated: 2023-03-23. Review status: criteria provided, single submitter. Criteria: Dines et al. (Genet Med. 2020). Collection method: curation. Allele origin: germline.
Comment: Missense variant in a coldspot region where missense variants are very unlikely to be pathogenic (PMID:31911673).

BRCA2 exon 10 coldspot. Reclassification based on statistical prior probability.

Breast Cancer Information Core (BIC) (BRCA2)
Classification: Uncertain significance for Breast-ovarian cancer, familial 2. Last evaluated: 2010-10-28. Review status: no assertion criteria provided. Collection method: clinical testing. Allele origin: germline. Affected: yes. Observed: 1 variant allele. Not counted in ClinVar's aggregate classification.

NM_000059.4(BRCA2):c.963A>C (p.Gln321His)

Gene: BRCA2 (BRCA2 DNA repair associated; plus strand). Cytogenetic location: 13q13.1.
Variant type: single nucleotide variant.
Coding change: c.963A>C on transcript NM_000059.4 (MANE Select); coding-DNA position 963, A replaced by C.
Protein change: p.Gln321His; replaces glutamine 321 with histidine.
Molecular consequence: missense variant.
Genome position (GRCh38, 1-based): chr13:32,332,441, A>C. VCF-style: chr13-32332441-A-C. GRCh37 (hg19) VCF-style: chr13-32906578-A-C.
Other names: 1191A>C; short protein forms Q321H.
Identifiers: ClinVar variation 125930 (VCV000125930.3), dbSNP rs276174927, ClinGen allele CA026243.